The following is an entry in ClinVar:

NM_017866.6(TMEM70):c.26C>T (p.Pro9Leu)

Gene: TMEM70 (transmembrane protein 70; plus strand). Cytogenetic location: 8q21.11.
Variant type: single nucleotide variant.
Coding change: c.26C>T on transcript NM_017866.6 (MANE Select); coding-DNA position 26, C replaced by T.
Protein change: p.Pro9Leu; replaces proline 9 with leucine.
Molecular consequence: missense variant. On other transcripts: non-coding transcript variant (1).
Genome position (GRCh38, 1-based): chr8:73,976,307, C>T. VCF-style: chr8-73976307-C-T. GRCh37 (hg19) VCF-style: chr8-74888542-C-T.
Other names: c.26C>T, p.Pro9Leu (NM_001040613.3); short protein forms P9L.
Identifiers: ClinVar variation 1963247 (VCV001963247.5), dbSNP rs1308890531, ClinGen allele CA371489119.

ClinVar aggregate classification (germline): Uncertain significance (1 of 4 stars; one submission).

Conditions:
Mitochondrial complex V (ATP synthase) deficiency, nuclear type 2. Also called: Nuclear-Encoded ATPase Deficiency, TMEM70-Related; MITOCHONDRIAL COMPLEX V (ATP SYNTHASE) DEFICIENCY, TMEM70 TYPE; ENCEPHALOCARDIOMYOPATHY, MITOCHONDRIAL, NEONATAL, DUE TO ATP SYNTHASE DEFICIENCY. Identifiers: Orphanet 1194, MedGen C3279699, MONDO:0013546, OMIM 614052.

Submission:

Labcorp Genetics (formerly Invitae), Labcorp
Classification: Uncertain significance for Mitochondrial complex V (ATP synthase) deficiency, nuclear type 2. Last evaluated: 2022-05-01. Review status: criteria provided, single submitter. Criteria: Invitae Variant Classification Sherloc (09022015). Collection method: clinical testing. Allele origin: germline.
Comment: This sequence change replaces proline, which is neutral and non-polar, with leucine, which is neutral and non-polar, at codon 9 of the TMEM70 protein (p.Pro9Leu). This variant is not present in population databases (gnomAD no frequency). This variant has not been reported in the literature in individuals affected with TMEM70-related conditions. Algorithms developed to predict the effect of missense changes on protein structure and function (SIFT, PolyPhen-2, Align-GVGD) all suggest that this variant is likely to be tolerated. In summary, the available evidence is currently insufficient to determine the role of this variant in disease. Therefore, it has been classified as a Variant of Uncertain Significance.